The following is an entry in ClinVar:

ClinVar aggregate classification (germline): Uncertain significance. Review status: criteria provided, multiple submitters, no conflicts (2 of 4 stars). 2 submissions from 2 submitters: Uncertain significance (2). Last evaluated 2020-01-06.

Conditions:
Cardiovascular phenotype. Identifiers: MedGen CN230736.
Cardiomyopathy (CMYO). Also called: Cardiomyopathies. Identifiers: Orphanet 167848, MedGen C0878544, MONDO:0004994, HP:0001638. Inheritance: Various modes of inheritance.

Allele frequency attached by ClinVar (database versions not stated): ExAC 0.00001; gnomAD 0.00001; gnomAD exomes 0.00002.
gnomAD v4.1: 27 of 1,612,290 alleles (0.0017%); highest among the groups gnomAD compares: Admixed American, 0.0067%; no homozygotes.

Submissions (2):

Ambry Genetics
Classification: Uncertain significance for Cardiovascular phenotype. Last evaluated: 2020-01-06. Review status: criteria provided, single submitter. Criteria: Ambry Variant Classification Scheme 2023. Collection method: clinical testing. Allele origin: germline.
Comment: The p.V6232A variant (also known as c.18695T>C), located in coding exon 74 of the TTN gene, results from a T to C substitution at nucleotide position 18695. The valine at codon 6232 is replaced by alanine, an amino acid with similar properties. This amino acid position is well conserved in available vertebrate species; however, alanine is the reference amino acid in other vertebrate species. In addition, the in silico prediction for this alteration is inconclusive. Since supporting evidence is limited at this time, the clinical significance of this alteration remains unclear.

CHEO Genetics Diagnostic Laboratory, Children's Hospital of Eastern Ontario
Classification: Uncertain significance for Cardiomyopathy. Last evaluated: 2019-07-05. Review status: criteria provided, single submitter. Criteria: ACMG Guidelines, 2015. Collection method: clinical testing. Allele origin: germline.

NM_001267550.2(TTN):c.45890T>C (p.Val15297Ala)

Gene: TTN (titin; minus strand). Cytogenetic location: 2q31.2.
Variant type: single nucleotide variant.
Coding change: c.45890T>C on transcript NM_001267550.2 (MANE Select); coding-DNA position 45890, T replaced by C.
Protein change: p.Val15297Ala; replaces valine 15297 with alanine.
Molecular consequence: missense variant.
Genome position (GRCh38, 1-based): chr2:178,620,720, A>G on the plus strand (T>C on the coding strand, the complement: TTN is on the minus strand). VCF-style: chr2-178620720-A-G. GRCh37 (hg19) VCF-style: chr2-179485447-A-G.
Other names: c.40967T>C, p.Val13656Ala (NM_001256850.1); c.18695T>C, p.Val6232Ala (NM_003319.4); c.38186T>C, p.Val12729Ala (NM_133378.4); c.19070T>C, p.Val6357Ala (NM_133432.3); c.19271T>C, p.Val6424Ala (NM_133437.4); short protein forms V15297A, V12729A, V13656A, V6357A, V6424A, V6232A.
Identifiers: ClinVar variation 915700 (VCV000915700.5), dbSNP rs775158152, ClinGen allele CA1995355.